The following is an entry in ClinVar:

ClinVar aggregate classification (germline): Conflicting classifications of pathogenicity. Review status: criteria provided, conflicting classifications (1 of 4 stars). 4 submissions from 3 submitters: Uncertain significance (1); Benign (1); Likely benign (2). Last evaluated 2025-05-13.

Conditions:
Cutis laxa. Identifiers: Orphanet 209, MedGen C0010495, MONDO:0016175, HP:0000973.
Macular degeneration, age-related, 3 (ARMD3). Identifiers: Orphanet 280598, MedGen C1837187, MONDO:0012145, OMIM 608895.

Allele frequency attached by ClinVar (database versions not stated): TOPMed 0.00003; gnomAD exomes 0.00023 and 0.00032; gnomAD 0.00026; ExAC 0.00028; 1000 Genomes Project 0.00040; 1000 Genomes Project 30x 0.00047.
gnomAD v4.1: 365 of 1,613,950 alleles (0.023%); highest among the groups gnomAD compares: Middle Eastern, 0.017%; no homozygotes.

Submissions (4):

Labcorp Genetics (formerly Invitae), Labcorp
Classification: Benign. Last evaluated: 2025-05-13. Review status: criteria provided, single submitter. Criteria: Invitae Variant Classification Sherloc (09022015). Collection method: clinical testing. Allele origin: germline.

Blueprint Genetics
Classification: Likely benign. Last evaluated: 2024-11-26. Review status: criteria provided, single submitter. Criteria: ACMG Guidelines, 2015. Collection method: clinical testing. Allele origin: germline.

Illumina Laboratory Services, Illumina
Classification: Likely benign for Cutis laxa. Last evaluated: 2018-01-13. Review status: criteria provided, single submitter. Criteria: ICSL Variant Classification Criteria 13 December 2019. Collection method: clinical testing. Allele origin: germline.
Comment: This variant was observed in the ICSL laboratory as part of a predisposition screen in an ostensibly healthy population. It had not been previously curated by ICSL or reported in the Human Gene Mutation Database (HGMD: prior to June 1st, 2018), and was therefore a candidate for classification through an automated scoring system. Utilizing variant allele frequency, disease prevalence and penetrance estimates, and inheritance mode, an automated score was calculated to assess if this variant is too frequent to cause the disease. Based on the score and internal cut-off values, a variant classified as likely benign is not then subjected to further curation. The score for this variant resulted in a classification of likely benign for this disease.

Illumina Laboratory Services, Illumina
Classification: Uncertain significance for Macular degeneration, age-related, 3. Last evaluated: 2018-01-13. Review status: criteria provided, single submitter. Criteria: ICSL Variant Classification Criteria 13 December 2019. Collection method: clinical testing. Allele origin: germline.

NM_006329.4(FBLN5):c.989+9C>T

Gene: FBLN5 (fibulin 5; minus strand). Cytogenetic location: 14q32.12.
Variant type: single nucleotide variant.
Coding change: c.989+9C>T on transcript NM_006329.4 (MANE Select); 9 bases into the intron after coding-DNA position 989, C replaced by T.
Molecular consequence: intron variant.
Genome position (GRCh38, 1-based): chr14:91,881,283, G>A on the plus strand (C>T on the coding strand, the complement: FBLN5 is on the minus strand). VCF-style: chr14-91881283-G-A. GRCh37 (hg19) VCF-style: chr14-92347627-G-A.
Other names: c.989+9C>T (NM_001384160.1); c.1112+9C>T (NM_001384158.1); c.821+9C>T (NM_001384162.1, NM_001384161.1); c.1040+9C>T (NM_001384159.1).
Identifiers: ClinVar variation 314874 (VCV000314874.15), dbSNP rs557362799, ClinGen allele CA7312683.